The following is an entry in ClinVar:

NM_022081.6(HPS4):c.1888C>T (p.Leu630Phe)

Gene: HPS4 (HPS4 biogenesis of lysosomal organelles complex 3 subunit 2; minus strand). Cytogenetic location: 22q12.1.
Variant type: single nucleotide variant.
Coding change: c.1888C>T on transcript NM_022081.6 (MANE Select); coding-DNA position 1888, C replaced by T.
Protein change: p.Leu630Phe; replaces leucine 630 with phenylalanine.
Molecular consequence: missense variant. On other transcripts: non-coding transcript variant (8), intron variant (2).
Genome position (GRCh38, 1-based): chr22:26,457,926, G>A on the plus strand (C>T on the coding strand, the complement: HPS4 is on the minus strand). VCF-style: chr22-26457926-G-A. GRCh37 (hg19) VCF-style: chr22-26853892-G-A.
Other names: c.1714-4522C>T (NM_001349902.1, NM_001349903.2); c.1888C>T (NM_022081.4); c.1888C>T, p.Leu630Phe (NM_001349896.1, NM_001349898.2, NM_001349899.2 and 3 more transcripts); c.1942C>T, p.Leu648Phe (NM_001349900.2, NM_001349901.1); c.1873C>T, p.Leu625Phe (NM_152841.2); short protein forms L625F, L630F, L648F.
Identifiers: ClinVar variation 2359381 (VCV002359381.5), dbSNP rs139675793, ClinGen allele CA10163167.

ClinVar aggregate classification (germline): Uncertain significance. Review status: criteria provided, multiple submitters, no conflicts (2 of 4 stars). 3 submissions from 3 submitters: Uncertain significance (3). Last evaluated 2025-02-18.

Conditions:
Inborn genetic diseases. Identifiers: MedGen C0950123, MeSH D030342.

Allele frequency attached by ClinVar (database versions not stated): gnomAD 0.00005; TOPMed 0.00005; ExAC 0.00007; gnomAD exomes 0.00012; ESP Exome Variant Server 0.00031.
gnomAD v4.1: 178 of 1,614,038 alleles (0.011%); highest among the groups gnomAD compares: Non-Finnish European, 0.014%; no homozygotes.

Submissions (3):

Women's Health and Genetics/Laboratory Corporation of America, LabCorp
Classification: Uncertain significance. Last evaluated: 2025-02-18. Review status: criteria provided, single submitter. Criteria: LabCorp Variant Classification Summary - May 2015. Collection method: clinical testing. Allele origin: germline.
Comment: Variant summary: HPS4 c.1888C>T (p.Leu630Phe) results in a non-conservative amino acid change in the encoded protein sequence. Four of five in-silico tools predict a damaging effect of the variant on protein function. The variant allele was found at a frequency of 6.8e-05 in 251110 control chromosomes (gnomAD). This frequency is not significantly higher than estimated for a pathogenic variant in HPS4 causing Hermansky-Pudlak Syndrome (6.8e-05 vs 0.00052), allowing no conclusion about variant significance. To our knowledge, no occurrence of c.1888C>T in individuals affected with Hermansky-Pudlak Syndrome and no experimental evidence demonstrating its impact on protein function have been reported. ClinVar contains an entry for this variant (Variation ID: 2359381). Based on the evidence outlined above, the variant was classified as uncertain significance.

Labcorp Genetics (formerly Invitae), Labcorp
Classification: Uncertain significance. Last evaluated: 2022-07-06. Review status: criteria provided, single submitter. Criteria: Invitae Variant Classification Sherloc (09022015). Collection method: clinical testing. Allele origin: germline.
Comment: This sequence change replaces leucine, which is neutral and non-polar, with phenylalanine, which is neutral and non-polar, at codon 630 of the HPS4 protein (p.Leu630Phe). This variant is present in population databases (rs139675793, gnomAD 0.01%). This variant has not been reported in the literature in individuals affected with HPS4-related conditions. Algorithms developed to predict the effect of missense changes on protein structure and function are either unavailable or do not agree on the potential impact of this missense change (SIFT: "Deleterious"; PolyPhen-2: "Probably Damaging"; Align-GVGD: "Class C0"). In summary, the available evidence is currently insufficient to determine the role of this variant in disease. Therefore, it has been classified as a Variant of Uncertain Significance.

Ambry Genetics
Classification: Uncertain significance for Inborn genetic diseases. Last evaluated: 2021-06-11. Review status: criteria provided, single submitter. Criteria: Ambry Variant Classification Scheme 2023. Collection method: clinical testing. Allele origin: germline.